The following is an entry in ClinVar:

ClinVar aggregate classification (germline): Likely benign (1 of 4 stars; one submission).

Conditions:
BRCA1-related cancer predisposition. Identifiers: MedGen CN377757, MONDO:0700268.

Submission:

All of Us Research Program, National Institutes of Health
Classification: Likely benign for BRCA1-related cancer predisposition. Last evaluated: 2024-07-20. Review status: criteria provided, single submitter. Criteria: ACMG Guidelines, 2015. Collection method: clinical testing. Allele origin: germline. Inheritance: Autosomal dominant inheritance. Observed: 1 variant allele, 1 heterozygote.
Comment: This study involves interpretation of variants in research participants for the purpose of population health screening. Participant phenotype was not available at the time of variant classification. Additional details can be found in publication PMID: 35346344, PMCID: PMC8962531

NM_007294.4(BRCA1):c.4185+7A>C

Gene: BRCA1 (BRCA1 DNA repair associated; minus strand). Cytogenetic location: 17q21.31.
Variant type: single nucleotide variant.
Coding change: c.4185+7A>C on transcript NM_007294.4 (MANE Select); 7 bases into the intron after coding-DNA position 4185, A replaced by C.
Molecular consequence: intron variant.
Genome position (GRCh38, 1-based): chr17:43,090,937, T>G on the plus strand (A>C on the coding strand, the complement: BRCA1 is on the minus strand). VCF-style: chr17-43090937-T-G. GRCh37 (hg19) VCF-style: chr17-41242954-T-G.
Other names: c.735+7A>C (NM_001408458.1, NM_001408469.1, NM_001408453.1 and 11 more transcripts); c.3297+7A>C (NM_001407967.1, NM_001407966.1); c.3804+7A>C (NM_001407959.1, NM_001407963.1, NM_001407960.1); c.3918+7A>C (NM_001407931.1, NM_001407932.1, NM_001407934.1 and 2 more transcripts); c.4041+7A>C (NM_001407747.1, NM_001407848.1, NM_001407839.1 and 20 more transcripts); c.3801+7A>C (NM_001407962.1); c.372+7A>C (NM_001408512.1); c.495+7A>C (NM_001408510.1); and 41 more.
Identifiers: ClinVar variation 3386178 (VCV003386178.1).